The following is an entry in ClinVar:

NM_006019.4(TCIRG1):c.1984C>G (p.Arg662Gly)

Gene: TCIRG1 (T cell immune regulator 1, ATPase H+ transporting V0 subunit a3; plus strand). Cytogenetic location: 11q13.2.
Variant type: single nucleotide variant.
Coding change: c.1984C>G on transcript NM_006019.4 (MANE Select); coding-DNA position 1984, C replaced by G.
Protein change: p.Arg662Gly; replaces arginine 662 with glycine.
Molecular consequence: missense variant.
Genome position (GRCh38, 1-based): chr11:68,049,759, C>G. VCF-style: chr11-68049759-C-G. GRCh37 (hg19) VCF-style: chr11-67817226-C-G.
Other names: c.1090C>G, p.Arg364Gly (NM_001351059.2); c.1336C>G, p.Arg446Gly (NM_006053.4); short protein forms R446G, R364G, R662G.
Identifiers: ClinVar variation 2166811 (VCV002166811.4), dbSNP rs1489283351, ClinGen allele CA381588958.

ClinVar aggregate classification (germline): Uncertain significance (1 of 4 stars; one submission).

Submission:

Labcorp Genetics (formerly Invitae), Labcorp
Classification: Uncertain significance. Last evaluated: 2024-10-24. Review status: criteria provided, single submitter. Criteria: Invitae Variant Classification Sherloc (09022015). Collection method: clinical testing. Allele origin: germline.
Comment: This sequence change replaces arginine, which is basic and polar, with glycine, which is neutral and non-polar, at codon 662 of the TCIRG1 protein (p.Arg662Gly). This variant is not present in population databases (gnomAD no frequency). This variant has not been reported in the literature in individuals affected with TCIRG1-related conditions. ClinVar contains an entry for this variant (Variation ID: 2166811). Invitae Evidence Modeling of protein sequence and biophysical properties (such as structural, functional, and spatial information, amino acid conservation, physicochemical variation, residue mobility, and thermodynamic stability) indicates that this missense variant is not expected to disrupt TCIRG1 protein function with a negative predictive value of 80%. In summary, the available evidence is currently insufficient to determine the role of this variant in disease. Therefore, it has been classified as a Variant of Uncertain Significance.